The following is an entry in ClinVar:

NM_000059.4(BRCA2):c.245A>T (p.Lys82Ile)

Gene: BRCA2 (BRCA2 DNA repair associated; plus strand). Cytogenetic location: 13q13.1.
Variant type: single nucleotide variant.
Coding change: c.245A>T on transcript NM_000059.4 (MANE Select); coding-DNA position 245, A replaced by T.
Protein change: p.Lys82Ile; replaces lysine 82 with isoleucine.
Molecular consequence: missense variant.
Genome position (GRCh38, 1-based): chr13:32,319,254, A>T. VCF-style: chr13-32319254-A-T. GRCh37 (hg19) VCF-style: chr13-32893391-A-T.
Other names: c.245A>T, p.Lys82Ile (NM_001406719.1, NM_001406720.1, NM_001406721.1); c.-125A>T (NM_001406722.1); short protein forms K82I.
Identifiers: ClinVar variation 1791603 (VCV001791603.2), dbSNP rs2138705242, ClinGen allele CA387754533.
Genomic context (GRCh38, chr13:32,319,254, plus strand): 5'-TTAAAACTCCACAAAGGAAACCATCTTATAATCAGCTGGCTTCAACTCCAATAATATTCA[A>T]AGAGCAAGGGCTGACTCTGCCGCTGTACCAATCTCCTGTAAAAGAATTAGATAAATTCAA-3'
Protein context (NP_000050.3, residues 72-92): NQLASTPIIF[Lys82Ile]EQGLTLPLYQ

ClinVar aggregate classification (germline): Uncertain significance (1 of 4 stars; one submission).

Conditions:
Hereditary cancer-predisposing syndrome. Also called: Hereditary Cancer Syndrome; Hereditary neoplastic syndrome; Tumor predisposition; Neoplastic Syndromes, Hereditary. Identifiers: Orphanet 140162, MedGen C0027672, MeSH D009386, MONDO:0015356.

Submission:

Ambry Genetics
Classification: Uncertain significance for Hereditary cancer-predisposing syndrome. Last evaluated: 2022-08-17. Review status: criteria provided, single submitter. Criteria: Ambry Variant Classification Scheme 2023. Collection method: clinical testing. Allele origin: germline.
Comment: The p.K82I variant (also known as c.245A>T), located in coding exon 2 of the BRCA2 gene, results from an A to T substitution at nucleotide position 245. The lysine at codon 82 is replaced by isoleucine, an amino acid with dissimilar properties. This amino acid position is conserved. In addition, this alteration is predicted to be tolerated by in silico analysis. Since supporting evidence is limited at this time, the clinical significance of this alteration remains unclear.